The following is an entry in ClinVar:

NM_032383.5(HPS3):c.685A>G (p.Asn229Asp)

Gene: HPS3 (HPS3 biogenesis of lysosomal organelles complex 2 subunit 1; plus strand). Cytogenetic location: 3q24.
Variant type: single nucleotide variant.
Coding change: c.685A>G on transcript NM_032383.5 (MANE Select); coding-DNA position 685, A replaced by G.
Protein change: p.Asn229Asp; replaces asparagine 229 with aspartic acid.
Molecular consequence: missense variant. On other transcripts: intron variant (1).
Genome position (GRCh38, 1-based): chr3:149,140,471, A>G. VCF-style: chr3-149140471-A-G. GRCh37 (hg19) VCF-style: chr3-148858258-A-G.
Other names: c.218-546A>G (NM_001308258.2); short protein forms N229D.
Identifiers: ClinVar variation 1901633 (VCV001901633.3), dbSNP rs201855201, ClinGen allele CA85493411.
Genomic context (GRCh38, chr3:149,140,471, plus strand): 5'-GTAAAACTGGAGTCAGGCCCTAAAAATGGAGAGAGAGTTCACCACCATCCACATAAGACC[A>G]ACAATCGAATAAGACGGACAGAAGAAGGTAAATAATGAATTTGACTTGCTTTCTTGTTTT-3'
Protein context (NP_115759.2, residues 219-239): ERVHHHPHKT[Asn229Asp]NRIRRTEEGI

ClinVar aggregate classification (germline): Uncertain significance (1 of 4 stars; one submission).

Allele frequency attached by ClinVar (database versions not stated): 1000 Genomes Project 30x 0.00016.
gnomAD v4.1: 1 of 1,614,136 alleles (0.000062%); no homozygotes.

Submission:

Labcorp Genetics (formerly Invitae), Labcorp
Classification: Uncertain significance. Last evaluated: 2025-03-03. Review status: criteria provided, single submitter. Criteria: Invitae Variant Classification Sherloc (09022015). Collection method: clinical testing. Allele origin: germline.
Comment: This sequence change replaces asparagine, which is neutral and polar, with aspartic acid, which is acidic and polar, at codon 229 of the HPS3 protein (p.Asn229Asp). This variant is not present in population databases (gnomAD no frequency). This variant has not been reported in the literature in individuals affected with HPS3-related conditions. ClinVar contains an entry for this variant (Variation ID: 1901633). Invitae Evidence Modeling of protein sequence and biophysical properties (such as structural, functional, and spatial information, amino acid conservation, physicochemical variation, residue mobility, and thermodynamic stability) indicates that this missense variant is not expected to disrupt HPS3 protein function with a negative predictive value of 80%. In summary, the available evidence is currently insufficient to determine the role of this variant in disease. Therefore, it has been classified as a Variant of Uncertain Significance.